The following is an entry in ClinVar:

ClinVar aggregate classification (germline): Pathogenic (1 of 4 stars; one submission).

Conditions:
Wiskott-Aldrich syndrome (WAS). Also called: ALDRICH SYNDROME; IMMUNODEFICIENCY 2; WISKOTT-ALDRICH SYNDROME 1; Wiskott-aldrich syndrome, somatic. Identifiers: Orphanet 906, MedGen C0043194, MONDO:0010518, OMIM 301000.
Thrombocytopenia 1. Also called: X-Linked Thrombocytopenia (XLT); THROMBOCYTOPENIA, X-LINKED, 1; X-linked thrombocytopenia with normal platelets. Identifiers: Orphanet 268322, Orphanet 852, MedGen C1839163, MONDO:0010743, OMIM 313900.
X-linked severe congenital neutropenia (SCNX). Identifiers: Orphanet 86788, MedGen C1845987, MONDO:0010294, OMIM 300299.

Submission:

Labcorp Genetics (formerly Invitae), Labcorp
Classification: Pathogenic for Wiskott-Aldrich syndrome; X-linked severe congenital neutropenia; Thrombocytopenia 1. Last evaluated: 2022-03-19. Review status: criteria provided, single submitter. Criteria: Invitae Variant Classification Sherloc (09022015). Collection method: clinical testing. Allele origin: germline.
Comment: For these reasons, this variant has been classified as Pathogenic. This variant disrupts a region of the WAS protein in which other variant(s) (p.Leu425Profs*70) have been determined to be pathogenic (PMID: 8528198, 11442475, 12727931, 24210885). This suggests that this is a clinically significant region of the protein, and that variants that disrupt it are likely to be disease-causing. This variant has not been reported in the literature in individuals affected with WAS-related conditions. This variant is not present in population databases (gnomAD no frequency). This sequence change creates a premature translational stop signal (p.Leu347Phefs*148) in the WAS gene. While this is not anticipated to result in nonsense mediated decay, it is expected to disrupt the last 156 amino acid(s) of the WAS protein.

Literature cited by the submitters: PubMed 8528198; PubMed 11442475; PubMed 12727931; PubMed 24210885.

NM_000377.3(WAS):c.1040dup (p.Leu347fs)

Gene: WAS (WASP actin nucleation promoting factor; plus strand). Cytogenetic location: Xp11.23.
Variant type: Duplication.
Coding change: c.1040dup on transcript NM_000377.3 (MANE Select); coding-DNA position 1040, one base duplicated (T; older notation c.1040dupT).
Protein change: p.Leu347fs; shifts the reading frame from leucine 347.
Molecular consequence: frameshift variant.
Genome position (GRCh38, 1-based): chrX:48,688,768, T duplicated; the last of 3 consecutive T bases (chrX:48,688,766-48,688,768); duplicating any one gives the same sequence. VCF-style (leftmost placement, unchanged base first): chrX-48688765-C-CT. GRCh37 (hg19) VCF-style: chrX-48547154-C-CT.
Other names: short protein forms L347fs.
Identifiers: ClinVar variation 2114109 (VCV002114109.4), dbSNP rs2519286791, ClinGen allele CA2580101058.